The following is an entry in ClinVar:

NM_000051.4(ATM):c.3078-12A>G

Gene: ATM (ATM serine/threonine kinase; plus strand). Cytogenetic location: 11q22.3.
Variant type: single nucleotide variant.
Coding change: c.3078-12A>G on transcript NM_000051.4 (MANE Select); 12 bases into the intron before coding-DNA position 3078, A replaced by G.
Molecular consequence: intron variant.
Genome position (GRCh38, 1-based): chr11:108,272,520, A>G. VCF-style: chr11-108272520-A-G. GRCh37 (hg19) VCF-style: chr11-108143247-A-G.
Other names: c.3078-12A>G (NM_001351834.2).
Identifiers: ClinVar variation 3254111 (VCV003254111.1), dbSNP rs1555085749.

ClinVar aggregate classification (germline): Likely benign (1 of 4 stars; one submission).

Conditions:
Familial cancer of breast. Also called: BREAST CANCER, FAMILIAL; Hereditary breast cancer; hereditary breast carcinoma. Identifiers: Orphanet 227535, MedGen C0346153, MONDO:0016419, OMIM 114480. Disease mechanism: loss of function.

Submission:

Myriad Genetics, Inc.
Classification: Likely benign for Familial cancer of breast. Last evaluated: 2024-05-13. Review status: criteria provided, single submitter. Criteria: Myriad Autosomal Dominant, Autosomal Recessive and X-Linked Classification Criteria (2023). Collection method: clinical testing. Allele origin: unknown.
Comment: This variant is considered likely benign. This variant is intronic and is not expected to impact mRNA splicing.